The following is an entry in ClinVar:

NM_001267550.2(TTN):c.81089CAA[1] (p.Thr27031del)

Genes: TTN (titin; minus strand), TTN-AS1 (TTN antisense RNA 1; plus strand). Cytogenetic location: 2q31.2.
Variant type: Microsatellite.
Coding change: c.81089CAA[1] on transcript NM_001267550.2 (MANE Select); one copy of the 3-base unit CAA starting at c.81089; the reference has two copies in a row; one copy, 3 bases deleted; also written c.81092_81094del.
Protein change: p.Thr27031del; deletes threonine 27031.
Molecular consequence: inframe deletion.
Genome position (GRCh38, 1-based): chr2:178,565,038-178,565,040, TTG deleted on the plus strand (CAA on the coding strand, the reverse complement: TTN is on the minus strand); deleting any 3 consecutive bases within chr2:178,565,038-178,565,045 gives the same sequence; the position shown is the placement nearest the transcript's 3' end. VCF-style (leftmost placement, unchanged base first): chr2-178565037-ATTG-A. GRCh37 (hg19) VCF-style: chr2-179429764-ATTG-A.
Other names: c.76166CAA[1], p.Thr25390del (NM_001256850.1); c.53894CAA[1], p.Thr17966del (NM_003319.4); c.73385CAA[1], p.Thr24463del (NM_133378.4); c.54269CAA[1], p.Thr18091del (NM_133432.3); c.54470CAA[1], p.Thr18158del (NM_133437.4); c.81092_81094delCAA (NM_001267550.2); c.76169_76171del (NM_001256850.1); c.53897_53899delCAA (NM_003319.4); and 2 more; short protein forms T27031del, T25390del, T17966del, T18158del, T18091del, T24463del.
Identifiers: ClinVar variation 535408 (VCV000535408.11), dbSNP rs1163103954, ClinGen allele CA538435321.

ClinVar aggregate classification (germline): Uncertain significance. Review status: criteria provided, multiple submitters, no conflicts (2 of 4 stars). 5 submissions from 5 submitters: Uncertain significance (5). Last evaluated 2023-01-13.

Conditions:
Autosomal recessive limb-girdle muscular dystrophy type 2J (LGMDR10). Also called: Limb-girdle muscular dystrophy, type 2J; MUSCULAR DYSTROPHY, LIMB-GIRDLE, AUTOSOMAL RECESSIVE 10. Identifiers: Orphanet 140922, MedGen C1837342, MONDO:0012127, OMIM 608807.
Dilated cardiomyopathy 1G (CMD1G). Identifiers: Orphanet 154, MedGen C1858763, MONDO:0011400, OMIM 604145.
Cardiomyopathy (CMYO). Also called: Cardiomyopathies. Identifiers: Orphanet 167848, MedGen C0878544, MONDO:0004994, HP:0001638. Inheritance: Various modes of inheritance.
Cardiovascular phenotype. Identifiers: MedGen CN230736.

Submissions (5):

Revvity Omics, Revvity
Classification: Uncertain significance. Last evaluated: 2023-01-13. Review status: criteria provided, single submitter. Criteria: ACMG Guidelines, 2015. Collection method: clinical testing. Allele origin: germline.

GeneDx
Classification: Uncertain significance. Last evaluated: 2022-11-02. Review status: criteria provided, single submitter. Criteria: GeneDx Variant Classification Process June 2021. Collection method: clinical testing. Allele origin: germline. Affected: yes.
Comment: Not observed at significant frequency in large population cohorts (gnomAD); In-frame variant in a gene in which most reported pathogenic variants are truncating/loss-of-function; Has not been previously published as pathogenic or benign to our knowledge

Ambry Genetics
Classification: Uncertain significance for Cardiovascular phenotype. Last evaluated: 2022-08-02. Review status: criteria provided, single submitter. Criteria: Ambry Variant Classification Scheme 2023. Collection method: clinical testing. Allele origin: germline.
Comment: The c.53897_53899delCAA variant (also known as p.T17966del) is located in coding exon 153 of the TTN gene. This variant results from an in-frame CAA deletion at nucleotide positions 53897 to 53899. This results in the in-frame deletion of a threonine at codon 17966. This amino acid position is well conserved in available vertebrate species. Since supporting evidence is limited at this time, the clinical significance of this alteration remains unclear.

CHEO Genetics Diagnostic Laboratory, Children's Hospital of Eastern Ontario
Classification: Uncertain significance for Cardiomyopathy. Last evaluated: 2021-05-28. Review status: criteria provided, single submitter. Criteria: ACMG Guidelines, 2015. Collection method: clinical testing. Allele origin: germline.

Labcorp Genetics (formerly Invitae), Labcorp
Classification: Uncertain significance for Dilated cardiomyopathy 1G; Autosomal recessive limb-girdle muscular dystrophy type 2J. Last evaluated: 2017-12-21. Review status: criteria provided, single submitter. Criteria: Invitae Variant Classification Sherloc (09022015). Collection method: clinical testing. Allele origin: germline.